The following is an entry in ClinVar:

NM_005519.2(HMX2):c.463_477dup (p.Ser159_Gln160insValPheSerArgSer)

Gene: HMX2 (H6 family homeobox 2; plus strand). Cytogenetic location: 10q26.13.
Variant type: Duplication.
Coding change: c.463_477dup on transcript NM_005519.2 (MANE Select); coding-DNA positions 463 to 477, 15 bases duplicated (GTCTTTTCGCGCAGC).
Protein change: p.Ser159_Gln160insValPheSerArgSer.
Molecular consequence: inframe insertion.
Genome position (GRCh38, 1-based): chr10:123,149,764-123,149,778, GTCTTTTCGCGCAGC duplicated; duplicating any 15 consecutive bases within chr10:123,149,763-123,149,778 gives the same sequence; the c. name uses the placement nearest the transcript's 3' end. VCF-style (leftmost placement, unchanged base first): chr10-123149762-C-CCGTCTTTTCGCGCAG. GRCh37 (hg19) VCF-style: chr10-124909278-C-CCGTCTTTTCGCGCAG.
Identifiers: ClinVar variation 4992346 (VCV004992346.1).

ClinVar aggregate classification (germline): Uncertain significance (1 of 4 stars; one submission).

Conditions:
HMX2-related disorder. Also called: HMX2-related condition.

Submission:

PreventionGenetics, part of Exact Sciences
Classification: Uncertain significance for HMX2-related condition. Last evaluated: 2025-08-14. Review status: criteria provided, single submitter. Criteria: ACMG Guidelines, 2015. Collection method: clinical testing. Allele origin: germline.
Comment: The HMX2 c.463_477dup15 variant is predicted to result in an in-frame duplication (p.Val155_Ser159dup). This variant was reported as de novo in an individual with congenital diaphragmatic hernia (Table S2, Qiao et al. 2021. PubMed ID: 34547244). This variant has not been reported in a large population database (gnomAD), indicating this variant is rare. Although we suspect that this variant may be pathogenic, at this time, the clinical significance of this variant is uncertain due to the absence of conclusive functional and genetic evidence.